The following is an entry in ClinVar:

NM_015046.7(SETX):c.14G>C (p.Cys5Ser)

Gene: SETX (senataxin; minus strand). Cytogenetic location: 9q34.13.
Variant type: single nucleotide variant.
Coding change: c.14G>C on transcript NM_015046.7 (MANE Select); coding-DNA position 14, G replaced by C.
Protein change: p.Cys5Ser; replaces cysteine 5 with serine.
Molecular consequence: missense variant.
Genome position (GRCh38, 1-based): chr9:132,349,415, C>G on the plus strand (G>C on the coding strand, the complement: SETX is on the minus strand). VCF-style: chr9-132349415-C-G. GRCh37 (hg19) VCF-style: chr9-135224802-C-G.
Other names: c.14G>C, p.Cys5Ser (NM_001351527.2, NM_001351528.2); short protein forms C5S.
Identifiers: ClinVar variation 657071 (VCV000657071.11), dbSNP rs1589791895, ClinGen allele CA375352133.
Genomic context (GRCh38, chr9:132,349,415, plus strand): 5'-GTGTTGGAAGCATAGCGCTTTAGGAAGTCAATGGTGGAAGCACCACCTGGCGTACACCAA[C>G]AACATGTGCTCATTCTGTACCTACAGCCAGAAAAGATGACATCAAGAAGAAAACCAACTT-3'
Protein context (NP_055861.3, residues 1-15): MSTC[Cys5Ser]WCTPGGASTI

ClinVar aggregate classification (germline): Uncertain significance (1 of 4 stars; one submission).

Conditions:
Amyotrophic lateral sclerosis type 4 (ALS4). Also called: AMYOTROPHIC LATERAL SCLEROSIS 4, JUVENILE; NEURONOPATHY, DISTAL HEREDITARY MOTOR, WITH PYRAMIDAL FEATURES. Identifiers: Orphanet 357043, MedGen C1865409, MONDO:0011223, OMIM 602433.
Spinocerebellar ataxia, autosomal recessive, with axonal neuropathy 2 (SCAN2). Also called: Ataxia-ocular apraxia-2; Ataxia with Oculomotor Apraxia; Ataxia with Oculomotor Apraxia Type 2; ATAXIA-OCULOMOTOR APRAXIA 2. Identifiers: Orphanet 64753, MedGen C1853761, MONDO:0018996, OMIM 606002.

Allele frequency attached by ClinVar (database versions not stated): TOPMed below 0.00001; gnomAD exomes below 0.00001.
gnomAD v4.1: 1 of 1,614,176 alleles (0.000062%); highest among the groups gnomAD compares: Non-Finnish European, 0.000085%; no homozygotes.

Submission:

Labcorp Genetics (formerly Invitae), Labcorp
Classification: Uncertain significance for Amyotrophic lateral sclerosis type 4; Spinocerebellar ataxia, autosomal recessive, with axonal neuropathy 2. Last evaluated: 2020-04-22. Review status: criteria provided, single submitter. Criteria: Invitae Variant Classification Sherloc (09022015). Collection method: clinical testing. Allele origin: germline.
Comment: This sequence change replaces cysteine with serine at codon 5 of the SETX protein (p.Cys5Ser). The cysteine residue is weakly conserved and there is a moderate physicochemical difference between cysteine and serine. This variant is not present in population databases (ExAC no frequency). This variant has not been reported in the literature in individuals with SETX-related disease. Algorithms developed to predict the effect of missense changes on protein structure and function (SIFT, PolyPhen-2, Align-GVGD) all suggest that this variant is likely to be tolerated, but these predictions have not been confirmed by published functional studies and their clinical significance is uncertain. In summary, the available evidence is currently insufficient to determine the role of this variant in disease. Therefore, it has been classified as a Variant of Uncertain Significance.